The following is an entry in ClinVar:

ClinVar aggregate classification (germline): Uncertain significance. Review status: criteria provided, multiple submitters, no conflicts (2 of 4 stars). 5 submissions from 5 submitters: Uncertain significance (5). Last evaluated 2025-10-10.

Conditions:
Hereditary cancer-predisposing syndrome. Also called: Neoplastic Syndromes, Hereditary; Tumor predisposition; Hereditary neoplastic syndrome; Hereditary Cancer Syndrome. Identifiers: Orphanet 140162, MedGen C0027672, MeSH D009386, MONDO:0015356.
Hereditary nonpolyposis colorectal neoplasms. Identifiers: MedGen C0009405, MeSH D003123.
Lynch syndrome 5 (LYNCH5). Also called: Hereditary non-polyposis colorectal cancer, type 5; Colorectal cancer, hereditary nonpolyposis, type 5. Identifiers: Orphanet 144, MedGen C1833477, MONDO:0013710, OMIM 614350. Disease mechanism: loss of function.

Allele frequency attached by ClinVar (database versions not stated): gnomAD exomes below 0.00001.
gnomAD v4.1: 6 of 1,614,166 alleles (0.00037%); highest among the groups gnomAD compares: Non-Finnish European, 0.00051%; no homozygotes.

Submissions (5):

Quest Diagnostics Nichols Institute San Juan Capistrano
Classification: Uncertain significance. Last evaluated: 2025-10-10. Review status: criteria provided, single submitter. Criteria: Quest Diagnostics criteria. Collection method: clinical testing. Allele origin: unknown.
Comment: The MSH6 c.909G>A (p.Met303Ile) variant has not been reported in individuals with MSH6-related conditions in the published literature. The frequency of this variant in the general population (Genome Aggregation Database) is uninformative in the assessment of its pathogenicity. Analysis of this variant using bioinformatics tools for the prediction of the effect of amino acid changes on protein structure and function yielded predictions that this variant is benign. Based on the available information, we are unable to determine the clinical significance of this variant.

Color Diagnostics, LLC DBA Color Health
Classification: Uncertain significance for Hereditary cancer-predisposing syndrome. Last evaluated: 2025-08-04. Review status: criteria provided, single submitter. Criteria: ACMG Guidelines, 2015. Collection method: clinical testing. Allele origin: germline.
Comment: This missense variant replaces methionine with isoleucine at codon 303 of the MSH6 protein. Computational prediction suggests that this variant may not impact protein structure and function. To our knowledge, functional studies have not been reported for this variant. This variant has not been reported in individuals affected with MSH6-related disorders in the literature. This variant has been identified in 1/251308 chromosomes in the general population by the Genome Aggregation Database (gnomAD). The available evidence is insufficient to determine the role of this variant in disease conclusively. Therefore, this variant is classified as a Variant of Uncertain Significance.

Ambry Genetics
Classification: Uncertain significance for Hereditary cancer-predisposing syndrome. Last evaluated: 2022-08-02. Review status: criteria provided, single submitter. Criteria: Ambry Variant Classification Scheme 2023. Collection method: clinical testing. Allele origin: germline.
Comment: The p.M303I variant (also known as c.909G>A), located in coding exon 4 of the MSH6 gene, results from a G to A substitution at nucleotide position 909. The methionine at codon 303 is replaced by isoleucine, an amino acid with highly similar properties. This amino acid position is not well conserved in available vertebrate species. In addition, this alteration is predicted to be tolerated by in silico analysis. Since supporting evidence is limited at this time, the clinical significance of this alteration remains unclear.

Labcorp Genetics (formerly Invitae), Labcorp
Classification: Uncertain significance for Hereditary nonpolyposis colorectal neoplasms. Last evaluated: 2018-10-06. Review status: criteria provided, single submitter. Criteria: Invitae Variant Classification Sherloc (09022015). Collection method: clinical testing. Allele origin: germline.
Comment: This sequence change replaces methionine with isoleucine at codon 303 of the MSH6 protein (p.Met303Ile). The methionine residue is weakly conserved and there is a small physicochemical difference between methionine and isoleucine. This variant is not present in population databases (ExAC no frequency). This variant has not been reported in the literature in individuals with MSH6-related disease. Algorithms developed to predict the effect of missense changes on protein structure and function (SIFT, PolyPhen-2, Align-GVGD) all suggest that this variant is likely to be tolerated, but these predictions have not been confirmed by published functional studies and their clinical significance is uncertain. In summary, the available evidence is currently insufficient to determine the role of this variant in disease. Therefore, it has been classified as a Variant of Uncertain Significance.

Neuberg Centre For Genomic Medicine, NCGM
Classification: Uncertain significance for Lynch syndrome 5. Review status: criteria provided, single submitter. Criteria: ACMG Guidelines, 2015. Collection method: clinical testing. Allele origin: germline. Inheritance: Autosomal dominant inheritance. Affected: yes.
Comment: The missense variant in c.909G>A (p.Met303Ile) in MSH6 (NM_000179.2) gene has not been reported previously as a pathogenic variant nor as a benign variant, to our knowledge. The p.Met303Ile variant is reported with the allele frequency (0.0003979 %) in the gnomad and novel in 1000 genome database. This variant has been reported to ClinVar database as Variant of Uncertain Significance (VUS). The amino acid Met at position 303 is changed to a Ile changing protein sequence and it might alter its composition and physico-chemical properties. In silico tools predict the variant to be tolerated. The residue is variable across species. The amino acid change p.Met303Ile in MSH6 is predicted as conserved by PhyloP across 100 vertebrates. For these reasons, this variant has been classified as Uncertain Significance (VUS).

NM_000179.3(MSH6):c.909G>A (p.Met303Ile)

Gene: MSH6 (mutS homolog 6; plus strand). Cytogenetic location: 2p16.3.
Variant type: single nucleotide variant.
Coding change: c.909G>A on transcript NM_000179.3 (MANE Select); coding-DNA position 909, G replaced by A.
Protein change: p.Met303Ile; replaces methionine 303 with isoleucine.
Molecular consequence: missense variant. On other transcripts: initiator codon variant (2).
Genome position (GRCh38, 1-based): chr2:47,798,892, G>A. VCF-style: chr2-47798892-G-A. GRCh37 (hg19) VCF-style: chr2-48026031-G-A.
Other names: c.3G>A, p.Met1Ile (NM_001281494.2, NM_001281493.2); c.519G>A, p.Met173Ile (NM_001281492.2); short protein forms M173I, M1I, M303I.
Identifiers: ClinVar variation 643969 (VCV000643969.13), dbSNP rs786201688, ClinGen allele CA346740716.
Genomic context (GRCh38, chr2:47,798,892, plus strand): 5'-GGATAGTGAGAGTGAAGGCCTGAACAGCCCTGTCAAAGTTGCTCGAAAGCGGAAGAGAAT[G>A]GTGACTGGAAATGGCTCTCTTAAAAGGAAAAGCTCTAGGAAGGAAACGCCCTCAGCCACC-3'
Protein context (NP_000170.1, residues 293-313): PVKVARKRKR[Met303Ile]VTGNGSLKRK